The following is an entry in ClinVar:

NM_004370.6(COL12A1):c.335-1G>C

Gene: COL12A1 (collagen type XII alpha 1 chain; minus strand). Cytogenetic location: 6q13.
Variant type: single nucleotide variant.
Coding change: c.335-1G>C on transcript NM_004370.6 (MANE Select); the canonical splice acceptor site of the intron before coding-DNA position 335, G replaced by C.
Molecular consequence: splice acceptor variant. On other transcripts: intron variant (1).
Genome position (GRCh38, 1-based): chr6:75,191,761, C>G on the plus strand (G>C on the coding strand, the complement: COL12A1 is on the minus strand). VCF-style: chr6-75191761-C-G. GRCh37 (hg19) VCF-style: chr6-75901477-C-G.
Other names: c.73+10959G>C (NM_080645.3).
Identifiers: ClinVar variation 1427124 (VCV001427124.10), dbSNP rs779800232, ClinGen allele CA3894453.

ClinVar aggregate classification (germline): Conflicting classifications of pathogenicity. Review status: criteria provided, conflicting classifications (1 of 4 stars). 3 submissions from 3 submitters: Likely pathogenic (1); Uncertain significance (2). Last evaluated 2024-08-07.

Conditions:
Ullrich congenital muscular dystrophy 2 (UCMD2). Identifiers: Orphanet 75840, MedGen C4225314, MONDO:0014654, OMIM 616470.
Bethlem myopathy 2 (BTHLM2). Identifiers: Orphanet 536516, Orphanet 610, MedGen C4225313, MONDO:0034022, OMIM 616471.

gnomAD v4.1: 3 of 1,588,088 alleles (0.00019%); highest among the groups gnomAD compares: Middle Eastern, 0.017%; no homozygotes.

Submissions (3):

GeneDx
Classification: Likely pathogenic. Last evaluated: 2024-08-07. Review status: criteria provided, single submitter. Criteria: GeneDx Variant Classification Process June 2021. Collection method: clinical testing. Allele origin: germline. Affected: yes.
Comment: Has not been previously published as pathogenic or benign in association with a COL12A1-related disorder to our knowledge; Not observed at significant frequency in large population cohorts (gnomAD); Canonical splice site variant predicted to result in an in-frame loss of the adjacent exon in a gene for which loss of function is a known mechanism of disease; This variant is associated with the following publications: (PMID: 30190612)

Fulgent Genetics
Classification: Uncertain significance for Ullrich congenital muscular dystrophy 2; Bethlem myopathy 2. Last evaluated: 2022-02-18. Review status: criteria provided, single submitter. Criteria: ACMG Guidelines, 2015. Collection method: clinical testing. Allele origin: unknown.

Labcorp Genetics (formerly Invitae), Labcorp
Classification: Uncertain significance for Bethlem myopathy 2; Ullrich congenital muscular dystrophy 2. Last evaluated: 2021-03-23. Review status: criteria provided, single submitter. Criteria: Invitae Variant Classification Sherloc (09022015). Collection method: clinical testing. Allele origin: germline.
Comment: In summary, the available evidence is currently insufficient to determine the role of this variant in disease. Therefore, it has been classified as a Variant of Uncertain Significance. Experimental studies and prediction algorithms are not available or were not evaluated, and the effect of this variant on mRNA splicing is currently unknown. This variant has not been reported in the literature in individuals with COL12A1-related conditions. This variant is present in population databases (rs779800232, ExAC 0.002%). This sequence change affects an acceptor splice site in intron 4 of the COL12A1 gene. It is expected to disrupt RNA splicing. Multiple COL12A1 isoforms have been reported, and the functional impact of this variant is uncertain (PMID: 8601036).

Literature cited by the submitters: PubMed 8601036 (cited by Labcorp Genetics (formerly Invitae), Labcorp).